The following is an entry in ClinVar:

NM_007294.4(BRCA1):c.5194-8T>G

Gene: BRCA1 (BRCA1 DNA repair associated; minus strand). Cytogenetic location: 17q21.31.
Variant type: single nucleotide variant.
Coding change: c.5194-8T>G on transcript NM_007294.4 (MANE Select); 8 bases into the intron before coding-DNA position 5194, T replaced by G.
Molecular consequence: intron variant.
Genome position (GRCh38, 1-based): chr17:43,057,143, A>C on the plus strand (T>G on the coding strand, the complement: BRCA1 is on the minus strand). VCF-style: chr17-43057143-A-C. GRCh37 (hg19) VCF-style: chr17-41209160-A-C.
Other names: c.1741-8T>G (NM_001408458.1, NM_001408461.1, NM_001408464.1 and 7 more transcripts); c.4303-8T>G (NM_001407967.1); c.4813-8T>G (NM_001407959.1); c.4927-8T>G (NM_001407931.1, NM_001407932.1, NM_001407928.1 and 4 more transcripts); c.5050-8T>G (NM_001407747.1, NM_001407745.1, NM_001407737.1 and 21 more transcripts); c.4810-8T>G (NM_001407962.1, NM_001407960.1); c.1381-8T>G (NM_001408512.1); c.1504-8T>G (NM_001408510.1); and 72 more.
Identifiers: ClinVar variation 867825 (VCV000867825.3), dbSNP rs200599235, ClinGen allele CA916081198.
Genomic context (GRCh38, chr17:43,057,143, plus strand): 5'-GGACCTTGGTGGTTTCTTCCATTGACCACATCTCCTCTGACTTCAAAATCATGCTGAAAG[A>C]AACCAAACACAACCCATCAGGATAAGAGAAAGAGAAGCTTCCTTCAATGGAAGTGGAGCA-3'

Conditions:
Breast-ovarian cancer, familial, susceptibility to, 1 (BROVCA1). Also called: BRCA1 Hereditary Breast and Ovarian Cancer; OVARIAN CANCER, SUSCEPTIBILITY TO. Identifiers: Orphanet 145, MedGen C2676676, MONDO:0011450, OMIM 604370. Disease mechanism: loss of function.

Submission:

Brotman Baty Institute, University of Washington
No classification provided (evidence only). Condition: Breast-ovarian cancer, familial 1. Review status: no classification provided. Collection method: in vitro. Allele origin: not applicable. Functional consequence: functionally_normal.
ClinVar note: "not provided" was previously submitted as the classification for the variant. However, the classification appeared to be based only on an observation of functional data so it was converted to no classification on 2025-07-30.